The following is an entry in ClinVar:

ClinVar aggregate classification (germline): Uncertain significance (1 of 4 stars; one submission).

Allele frequency attached by ClinVar (database versions not stated): gnomAD exomes below 0.00001 and 0.00001; TOPMed below 0.00001; gnomAD 0.00001.
gnomAD v4.1: 7 of 1,614,066 alleles (0.00043%); highest among the groups gnomAD compares: Admixed American, 0.0033%; no homozygotes.

Submission:

Labcorp Genetics (formerly Invitae), Labcorp
Classification: Uncertain significance. Last evaluated: 2025-07-10. Review status: criteria provided, single submitter. Criteria: Invitae Variant Classification Sherloc (09022015). Collection method: clinical testing. Allele origin: germline.
Comment: This sequence change replaces arginine, which is basic and polar, with cysteine, which is neutral and slightly polar, at codon 692 of the RNF31 protein (p.Arg692Cys). This variant is present in population databases (no rsID available, gnomAD 0.003%). This variant has not been reported in the literature in individuals affected with RNF31-related conditions. ClinVar contains an entry for this variant (Variation ID: 1380954). An algorithm developed to predict the effect of missense changes on protein structure and function (PolyPhen-2) suggests that this variant is likely to be disruptive. In summary, the available evidence is currently insufficient to determine the role of this variant in disease. Therefore, it has been classified as a Variant of Uncertain Significance.

NM_017999.5(RNF31):c.2074C>T (p.Arg692Cys)

Gene: RNF31 (ring finger protein 31; plus strand). Cytogenetic location: 14q12.
Variant type: single nucleotide variant.
Coding change: c.2074C>T on transcript NM_017999.5 (MANE Select); coding-DNA position 2074, C replaced by T.
Protein change: p.Arg692Cys; replaces arginine 692 with cysteine.
Molecular consequence: missense variant.
Genome position (GRCh38, 1-based): chr14:24,151,936, C>T. VCF-style: chr14-24151936-C-T. GRCh37 (hg19) VCF-style: chr14-24621145-C-T.
Other names: c.1621C>T, p.Arg541Cys (NM_001310332.2); short protein forms R692C, R541C.
Identifiers: ClinVar variation 1380954 (VCV001380954.8), dbSNP rs1193178966, ClinGen allele CA389299172.